The following is an entry in ClinVar:

NM_005535.3(IL12RB1):c.942C>A (p.Tyr314Ter)

Gene: IL12RB1 (interleukin 12 receptor subunit beta 1; minus strand). Cytogenetic location: 19p13.11.
Variant type: single nucleotide variant.
Coding change: c.942C>A on transcript NM_005535.3 (MANE Select); coding-DNA position 942, C replaced by A.
Protein change: p.Tyr314Ter; replaces tyrosine 314 with a stop codon.
Molecular consequence: nonsense.
Genome position (GRCh38, 1-based): chr19:18,072,191, G>T on the plus strand (C>A on the coding strand, the complement: IL12RB1 is on the minus strand). VCF-style: chr19-18072191-G-T. GRCh37 (hg19) VCF-style: chr19-18183001-G-T.
Other names: c.942C>A, p.Tyr314Ter (NM_001290023.2, NM_153701.3); c.1062C>A, p.Tyr354Ter (NM_001290024.2); short protein forms Y314*, Y354*.
Identifiers: ClinVar variation 1456899 (VCV001456899.7), dbSNP rs762747908, ClinGen allele CA404780078.

ClinVar aggregate classification (germline): Pathogenic. Review status: criteria provided, single submitter (1 of 4 stars). 2 submissions from 2 submitters: Pathogenic (1). 1 of the submissions does not count toward it. Last evaluated 2021-01-03.

Conditions:
Mycobacterium tuberculosis, susceptibility to. Identifiers: MedGen C1834752, OMIM 607948.
Mendelian susceptibility to mycobacterial diseases due to complete IL12RB1 deficiency. Also called: Immunodeficiency 30; IL12RB1 DEFICIENCY. Identifiers: Orphanet 319552, MedGen C4013949, MONDO:0013955, OMIM 614891.

gnomAD v4.1: 1 of 1,614,158 alleles (0.000062%); highest among the groups gnomAD compares: African/African-American, 0.0013%; no homozygotes.

Submissions (2):

Labcorp Genetics (formerly Invitae), Labcorp
Classification: Pathogenic for Mendelian susceptibility to mycobacterial diseases due to complete IL12RB1 deficiency. Last evaluated: 2021-01-03. Review status: criteria provided, single submitter. Criteria: Invitae Variant Classification Sherloc (09022015). Collection method: clinical testing. Allele origin: germline.
Comment: This sequence change creates a premature translational stop signal (p.Tyr314*) in the IL12RB1 gene. It is expected to result in an absent or disrupted protein product. Loss-of-function variants in IL12RB1 are known to be pathogenic (PMID: 9603733, 12591909). This variant is not present in population databases (ExAC no frequency). This variant has not been reported in the literature in individuals with IL12RB1-related conditions. For these reasons, this variant has been classified as Pathogenic.

Clinic of Clinical Immunology with Stem Cell Bank, Expert Centre for Rare Diseases - PID, University Hospital "Alexandrovska"
Classification: Pathogenic for Mycobacterium tuberculosis, susceptibility to. Last evaluated: 2022-05-01. Review status: no assertion criteria provided. Collection method: clinical testing. Allele origin: germline. Affected: yes. Not counted in ClinVar's aggregate classification.

Literature cited by the submitters: PubMed 9603733 (cited by Labcorp Genetics (formerly Invitae), Labcorp); PubMed 12591909 (cited by Labcorp Genetics (formerly Invitae), Labcorp).